The following is an entry in ClinVar:

ClinVar aggregate classification (germline): Uncertain significance (1 of 4 stars; one submission).

Submission:

GeneDx
Classification: Uncertain significance. Last evaluated: 2022-01-18. Review status: criteria provided, single submitter. Criteria: GeneDx Variant Classification Process June 2021. Collection method: clinical testing. Allele origin: germline. Affected: yes.
Comment: Not observed at significant frequency in large population cohorts (gnomAD); In silico analysis supports that this missense variant has a deleterious effect on protein structure/function; Has not been previously published as pathogenic or benign to our knowledge

NM_002691.4(POLD1):c.434C>A (p.Ala145Asp)

Gene: POLD1 (DNA polymerase delta 1, catalytic subunit; plus strand). Cytogenetic location: 19q13.33.
Variant type: single nucleotide variant.
Coding change: c.434C>A on transcript NM_002691.4 (MANE Select); coding-DNA position 434, C replaced by A.
Protein change: p.Ala145Asp; replaces alanine 145 with aspartic acid.
Molecular consequence: missense variant. On other transcripts: non-coding transcript variant (1).
Genome position (GRCh38, 1-based): chr19:50,401,895, C>A. VCF-style: chr19-50401895-C-A. GRCh37 (hg19) VCF-style: chr19-50905152-C-A.
Other names: c.434C>A, p.Ala145Asp (NM_001256849.1, NM_001308632.1); short protein forms A145D.
Identifiers: ClinVar variation 1697152 (VCV001697152.2), dbSNP rs2122234409, ClinGen allele CA406972661.